The following is an entry in ClinVar:

NM_004519.4(KCNQ3):c.2072G>A (p.Gly691Asp)

Gene: KCNQ3 (potassium voltage-gated channel subfamily Q member 3; minus strand). Cytogenetic location: 8q24.22.
Variant type: single nucleotide variant.
Coding change: c.2072G>A on transcript NM_004519.4 (MANE Select); coding-DNA position 2072, G replaced by A.
Protein change: p.Gly691Asp; replaces glycine 691 with aspartic acid.
Molecular consequence: missense variant.
Genome position (GRCh38, 1-based): chr8:132,129,809, C>T on the plus strand (G>A on the coding strand, the complement: KCNQ3 is on the minus strand). VCF-style: chr8-132129809-C-T. GRCh37 (hg19) VCF-style: chr8-133142056-C-T.
Other names: c.1712G>A, p.Gly571Asp (NM_001204824.2); short protein forms G691D, G571D.
Identifiers: ClinVar variation 570094 (VCV000570094.10), dbSNP rs758790946, ClinGen allele CA4880511.

ClinVar aggregate classification (germline): Uncertain significance. Review status: criteria provided, multiple submitters, no conflicts (2 of 4 stars). 2 submissions from 2 submitters: Uncertain significance (2). Last evaluated 2023-04-29.

Conditions:
Benign neonatal seizures. Also called: Benign familial neonatal seizures; Benign neonatal familial convulsions; Convulsions benign familial neonatal dominant form; Autosomal dominant form of benign neonatal seizures; Benign familial neonatal epilepsy. Identifiers: Orphanet 1949, MedGen C0220669, MONDO:0016027.

gnomAD v4.1: 3 of 1,614,136 alleles (0.00019%); highest among the groups gnomAD compares: Admixed American, 0.0017%; no homozygotes.

Submissions (2):

Labcorp Genetics (formerly Invitae), Labcorp
Classification: Uncertain significance for Benign neonatal seizures. Last evaluated: 2023-04-29. Review status: criteria provided, single submitter. Criteria: Invitae Variant Classification Sherloc (09022015). Collection method: clinical testing. Allele origin: germline.
Comment: In summary, the available evidence is currently insufficient to determine the role of this variant in disease. Therefore, it has been classified as a Variant of Uncertain Significance. Advanced modeling of protein sequence and biophysical properties (such as structural, functional, and spatial information, amino acid conservation, physicochemical variation, residue mobility, and thermodynamic stability) performed at Invitae indicates that this missense variant is not expected to disrupt KCNQ3 protein function. ClinVar contains an entry for this variant (Variation ID: 570094). This variant has not been reported in the literature in individuals affected with KCNQ3-related conditions. This variant is present in population databases (rs758790946, gnomAD 0.003%). This sequence change replaces glycine, which is neutral and non-polar, with aspartic acid, which is acidic and polar, at codon 691 of the KCNQ3 protein (p.Gly691Asp).

GeneDx
Classification: Uncertain significance. Last evaluated: 2019-11-14. Review status: criteria provided, single submitter. Criteria: GeneDx Variant Classification Process June 2021. Collection method: clinical testing. Allele origin: germline. Affected: yes.
Comment: Not observed at a significant frequency in large population cohorts (Lek et al., 2016); In silico analysis, which includes protein predictors and evolutionary conservation, supports that this variant does not alter protein structure/function; Has not been previously published as pathogenic or benign to our knowledge